The following is an entry in ClinVar:

NM_005879.3(TRAIP):c.618-3C>A

Gene: TRAIP (TRAF interacting protein; minus strand). Cytogenetic location: 3p21.31.
Variant type: single nucleotide variant.
Coding change: c.618-3C>A on transcript NM_005879.3 (MANE Select); 3 bases into the intron before coding-DNA position 618, C replaced by A.
Molecular consequence: intron variant.
Genome position (GRCh38, 1-based): chr3:49,841,075, G>T on the plus strand (C>A on the coding strand, the complement: TRAIP is on the minus strand). VCF-style: chr3-49841075-G-T. GRCh37 (hg19) VCF-style: chr3-49878508-G-T.
Identifiers: ClinVar variation 1930261 (VCV001930261.2), dbSNP rs749360609, ClinGen allele CA2407745.
Genomic context (GRCh38, chr3:49,841,075, plus strand): 5'-CAGCTTGTCAGCCACCTCCCCTGAGGCCTTCCGTGCCTCTTTTAGATTCTCGTACTCTCT[G>T]CAATGTGGCCATGGAAAGAGATGCCAGAAAAGAACACCTGCAGGTCAGACTGAGCCACAG-3'

ClinVar aggregate classification (germline): Uncertain significance (1 of 4 stars; one submission).

Allele frequency attached by ClinVar (database versions not stated): ExAC 0.00001; gnomAD 0.00001.
gnomAD v4.1: 29 of 1,613,710 alleles (0.0018%); highest among the groups gnomAD compares: South Asian, 0.026%; no homozygotes.

Submission:

Labcorp Genetics (formerly Invitae), Labcorp
Classification: Uncertain significance. Last evaluated: 2022-05-15. Review status: criteria provided, single submitter. Criteria: Invitae Variant Classification Sherloc (09022015). Collection method: clinical testing. Allele origin: germline.
Comment: This sequence change falls in intron 7 of the TRAIP gene. It does not directly change the encoded amino acid sequence of the TRAIP protein. It affects a nucleotide within the consensus splice site. This variant is present in population databases (rs749360609, gnomAD 0.03%). This variant has not been reported in the literature in individuals affected with TRAIP-related conditions. Variants that disrupt the consensus splice site are a relatively common cause of aberrant splicing (PMID: 17576681, 9536098). Algorithms developed to predict the effect of sequence changes on RNA splicing suggest that this variant may disrupt the consensus splice site. In summary, the available evidence is currently insufficient to determine the role of this variant in disease. Therefore, it has been classified as a Variant of Uncertain Significance.

Literature cited by the submitters: PubMed 17576681; PubMed 9536098.